The following is an entry in ClinVar:

ClinVar aggregate classification (germline): Uncertain significance (1 of 4 stars; one submission).

Allele frequency attached by ClinVar (database versions not stated): ExAC 0.00002.
gnomAD v4.1: 6 of 1,614,030 alleles (0.00037%); highest among the groups gnomAD compares: East Asian, 0.0022%; no homozygotes.

Submission:

Labcorp Genetics (formerly Invitae), Labcorp
Classification: Uncertain significance. Last evaluated: 2021-11-15. Review status: criteria provided, single submitter. Criteria: Invitae Variant Classification Sherloc (09022015). Collection method: clinical testing. Allele origin: germline.
Comment: Algorithms developed to predict the effect of missense changes on protein structure and function are either unavailable or do not agree on the potential impact of this missense change (SIFT: "Deleterious"; PolyPhen-2: "Probably Damaging"; Align-GVGD: "Class C0"). This sequence change replaces arginine, which is basic and polar, with glutamine, which is neutral and polar, at codon 267 of the TBXAS1 protein (p.Arg267Gln). This variant is present in population databases (rs145426879, gnomAD 0.003%). This variant has not been reported in the literature in individuals affected with TBXAS1-related conditions. Algorithms developed to predict the effect of sequence changes on RNA splicing suggest that this variant may create or strengthen a splice site. In summary, the available evidence is currently insufficient to determine the role of this variant in disease. Therefore, it has been classified as a Variant of Uncertain Significance.

NM_001061.7(TBXAS1):c.797G>A (p.Arg266Gln)

Gene: TBXAS1 (thromboxane A synthase 1; plus strand). Cytogenetic location: 7q34.
Variant type: single nucleotide variant.
Coding change: c.797G>A on transcript NM_001061.7 (MANE Select); coding-DNA position 797, G replaced by A.
Protein change: p.Arg266Gln; replaces arginine 266 with glutamine.
Molecular consequence: missense variant.
Genome position (GRCh38, 1-based): chr7:139,957,742, G>A. VCF-style: chr7-139957742-G-A. GRCh37 (hg19) VCF-style: chr7-139657541-G-A.
Other names: c.797G>A, p.Arg266Gln (NM_001130966.5, NM_030984.6); c.935G>A, p.Arg312Gln (NM_001166253.4); c.596G>A, p.Arg199Gln (NM_001166254.4); c.740G>A, p.Arg247Gln (NM_001314028.4); c.614G>A, p.Arg205Gln (NM_001366537.3); short protein forms R205Q, R247Q, R199Q, R266Q, R312Q.
Identifiers: ClinVar variation 1427645 (VCV001427645.6), dbSNP rs145426879, ClinGen allele CA4511804.
Genomic context (GRCh38, chr7:139,957,742, plus strand): 5'-AGAACCGAGACGAACTGAATGGCTTTTTTAACAAACTCATTAGGAATGTGATTGCCTTGC[G>A]GGACCAGCAAGCTGCCGAAGAGGTAACGTATTTTAATAGGACACAGCCTTGAAATGGAAT-3'
Protein context (NP_001052.3, residues 256-276): NKLIRNVIAL[Arg266Gln]DQQAAEERRR